The following is an entry in ClinVar:

NM_005477.3(HCN4):c.1801C>T (p.Pro601Ser)

Gene: HCN4 (hyperpolarization activated cyclic nucleotide gated potassium channel 4; minus strand). Cytogenetic location: 15q24.1.
Variant type: single nucleotide variant.
Coding change: c.1801C>T on transcript NM_005477.3 (MANE Select); coding-DNA position 1801, C replaced by T.
Protein change: p.Pro601Ser; replaces proline 601 with serine.
Molecular consequence: missense variant.
Genome position (GRCh38, 1-based): chr15:73,325,132, G>A on the plus strand (C>T on the coding strand, the complement: HCN4 is on the minus strand). VCF-style: chr15-73325132-G-A. GRCh37 (hg19) VCF-style: chr15-73617473-G-A.
Other names: short protein forms P601S.
Identifiers: ClinVar variation 2131533 (VCV002131533.4), dbSNP rs2549069984, ClinGen allele CA393090879.
Genomic context (GRCh38, chr15:73,325,132, plus strand): 5'-AGTCCCCAGGCTGGAAGACCTCGAAACGCAGCTTGGTCAGCATGGACGTCACGAAGTTGG[G>A]GTCCGCATTGGCAAACAGTGGCATGGAGGCCACCAGCTTCCGACAGTTAAAGTTGATGAT-3'
Protein context (NP_005468.1, residues 591-611): ASMPLFANAD[Pro601Ser]NFVTSMLTKL

ClinVar aggregate classification (germline): Uncertain significance (1 of 4 stars; one submission).

Conditions:
Brugada syndrome 8 (BRGDA8). Identifiers: Orphanet 130, MedGen C2751083, MONDO:0013148, OMIM 613123.

Submission:

Labcorp Genetics (formerly Invitae), Labcorp
Classification: Uncertain significance for Brugada syndrome 8. Last evaluated: 2025-02-06. Review status: criteria provided, single submitter. Criteria: Invitae Variant Classification Sherloc (09022015). Collection method: clinical testing. Allele origin: germline.
Comment: This sequence change replaces proline, which is neutral and non-polar, with serine, which is neutral and polar, at codon 601 of the HCN4 protein (p.Pro601Ser). This variant is not present in population databases (gnomAD no frequency). This variant has not been reported in the literature in individuals affected with HCN4-related conditions. ClinVar contains an entry for this variant (Variation ID: 2131533). Invitae Evidence Modeling of protein sequence and biophysical properties (such as structural, functional, and spatial information, amino acid conservation, physicochemical variation, residue mobility, and thermodynamic stability) has been performed for this missense variant. However, the output from this modeling did not meet the statistical confidence thresholds required to predict the impact of this variant on HCN4 protein function. In summary, the available evidence is currently insufficient to determine the role of this variant in disease. Therefore, it has been classified as a Variant of Uncertain Significance.